The following is an entry in ClinVar:

ClinVar aggregate classification (germline): Conflicting classifications of pathogenicity. Review status: criteria provided, conflicting classifications (1 of 4 stars). 2 submissions from 2 submitters: Uncertain significance (1); Likely benign (1). Last evaluated 2025-02-12.

Conditions:
Charcot-Marie-Tooth disease axonal type 2O. Also called: CHARCOT-MARIE-TOOTH NEUROPATHY, AXONAL, TYPE 2O; CHARCOT-MARIE-TOOTH DISEASE, AXONAL, AUTOSOMAL DOMINANT, TYPE 2O; Charcot-Marie-Tooth Neuropathy Type 2O; Charcot-Marie-Tooth disease, axonal, type 20. Identifiers: Orphanet 284232, MedGen C3280220, MONDO:0013644, OMIM 614228.

Allele frequency attached by ClinVar (database versions not stated): TOPMed 0.00002; ExAC 0.00002.

Submissions (2):

Labcorp Genetics (formerly Invitae), Labcorp
Classification: Likely benign for Charcot-Marie-Tooth disease axonal type 2O. Last evaluated: 2025-02-12. Review status: criteria provided, single submitter. Criteria: Invitae Variant Classification Sherloc (09022015). Collection method: clinical testing. Allele origin: germline.

GeneDx
Classification: Uncertain significance. Last evaluated: 2023-10-16. Review status: criteria provided, single submitter. Criteria: GeneDx Variant Classification Process June 2021. Collection method: clinical testing. Allele origin: germline. Affected: yes.
Comment: Has not been previously published as pathogenic or benign to our knowledge; In silico analysis supports that this missense variant does not alter protein structure/function; This variant is associated with the following publications: (PMID: 26100331, 25609763, 25512093)

NM_001376.5(DYNC1H1):c.5305A>G (p.Met1769Val)

Gene: DYNC1H1 (dynein cytoplasmic 1 heavy chain 1; plus strand). Cytogenetic location: 14q32.31.
Variant type: single nucleotide variant.
Coding change: c.5305A>G on transcript NM_001376.5 (MANE Select); coding-DNA position 5305, A replaced by G.
Protein change: p.Met1769Val; replaces methionine 1769 with valine.
Molecular consequence: missense variant.
Genome position (GRCh38, 1-based): chr14:102,005,108, A>G. VCF-style: chr14-102005108-A-G. GRCh37 (hg19) VCF-style: chr14-102471445-A-G.
Other names: short protein forms M1769V.
Identifiers: ClinVar variation 2901639 (VCV002901639.4), dbSNP rs770746870, ClinGen allele CA7352395.